The following is an entry in ClinVar:

NM_006031.6(PCNT):c.2747C>T (p.Thr916Met)

Gene: PCNT (pericentrin; plus strand). Cytogenetic location: 21q22.3.
Variant type: single nucleotide variant.
Coding change: c.2747C>T on transcript NM_006031.6 (MANE Select); coding-DNA position 2747, C replaced by T.
Protein change: p.Thr916Met; replaces threonine 916 with methionine.
Molecular consequence: missense variant.
Genome position (GRCh38, 1-based): chr21:46,366,721, C>T. VCF-style: chr21-46366721-C-T. GRCh37 (hg19) VCF-style: chr21-47786636-C-T.
Other names: c.2393C>T, p.Thr798Met (NM_001315529.2); short protein forms T798M, T916M.
Identifiers: ClinVar variation 2634076 (VCV002634076.5), dbSNP rs746009721, ClinGen allele CA10079081.
Genomic context (GRCh38, chr21:46,366,721, plus strand): 5'-AGCATGCCCGTGAGCTGCAGCTCCTCCAGGAGAGACACCAGCAGCAGCTCCTGTCAGTGA[C>T]GGCGGAGCTCGAGGCCAGACACCAGGCCGCGTTGGGCGAGCTGACAGCCTCCTTAGAGAG-3'
Protein context (NP_006022.3, residues 906-926): ERHQQQLLSV[Thr916Met]AELEARHQAA

ClinVar aggregate classification (germline): Uncertain significance. Review status: criteria provided, multiple submitters, no conflicts (2 of 4 stars). 3 submissions from 3 submitters: Uncertain significance (2). 1 of the submissions does not count toward it. Last evaluated 2026-03-21.

Conditions:
PCNT-related disorder. Also called: PCNT-related condition.
Inborn genetic diseases. Identifiers: MedGen C0950123, MeSH D030342.

Allele frequency attached by ClinVar (database versions not stated): TOPMed 0.00003; gnomAD exomes 0.00005; ExAC 0.00001; gnomAD 0.00003.
gnomAD v4.1: 76 of 1,613,514 alleles (0.0047%); highest among the groups gnomAD compares: Non-Finnish European, 0.0058%; no homozygotes.

Submissions (3):

GeneDx
Classification: Uncertain significance. Last evaluated: 2026-03-21. Review status: criteria provided, single submitter. Criteria: GeneDx Variant Classification Process June 2021. Collection method: clinical testing. Allele origin: germline.
Comment: Not observed at significant frequency in large population cohorts (gnomAD); In silico analysis supports that this missense variant has a deleterious effect on protein structure/function; Has not been previously published as pathogenic or benign to our knowledge

Ambry Genetics
Classification: Uncertain significance for Inborn genetic diseases. Last evaluated: 2023-10-05. Review status: criteria provided, single submitter. Criteria: Ambry Variant Classification Scheme 2023. Collection method: clinical testing. Allele origin: germline.

PreventionGenetics, part of Exact Sciences
Classification: Uncertain significance for PCNT-related condition. Last evaluated: 2023-11-30. Review status: no assertion criteria provided. Collection method: clinical testing. Allele origin: germline. Not counted in ClinVar's aggregate classification.
Comment: The PCNT c.2747C>T variant is predicted to result in the amino acid substitution p.Thr916Met. To our knowledge, this variant has not been reported in the literature. This variant is reported in 0.0058% of alleles in individuals of Latino descent in gnomAD. At this time, the clinical significance of this variant is uncertain due to the absence of conclusive functional and genetic evidence.